The following is an entry in ClinVar:

NC_000005.10:g.(?_151924474)_(151924569_?)del

Gene: GLRA1 (glycine receptor alpha 1; minus strand). Cytogenetic location: 5q33.1.
Variant type: Deletion.
Identifiers: ClinVar variation 583758 (VCV000583758.3).

ClinVar aggregate classification (germline): Pathogenic. Review status: criteria provided, single submitter (1 of 4 stars). 2 submissions from 1 submitter: Pathogenic (2). Last evaluated 2020-05-28.

Conditions:
Hereditary hyperekplexia. Identifiers: Orphanet 3197, MedGen C4084968, MONDO:0021022.
Hyperekplexia 1 (STHE). Also called: STARTLE DISEASE, FAMILIAL; STIFF-BABY SYNDROME; STIFF-MAN SYNDROME, CONGENITAL; STIFF-PERSON SYNDROME, CONGENITAL; HYPEREKPLEXIA 1, AUTOSOMAL DOMINANT; HYPEREKPLEXIA 1, AUTOSOMAL RECESSIVE. Identifiers: Orphanet 3197, MedGen C4551954, MONDO:0007868, OMIM 149400.

Submissions (2):

Labcorp Genetics (formerly Invitae), Labcorp
Classification: Pathogenic for Hereditary hyperekplexia. Last evaluated: 2020-05-28. Review status: criteria provided, single submitter. Criteria: Invitae Variant Classification Sherloc (09022015). Collection method: clinical testing. Allele origin: germline.
Comment: This variant is a gross deletion of the genomic region encompassing exon 1 of the GLRA1 gene, which includes the initiator codon. The 5' end of this event is unknown as it extends beyond the assayed region for this gene and therefore may encompass additional genes. The 3' boundary is likely confined to intron 1 of the GLRA1 gene. This is expected to result in an absent or disrupted protein product. This variant has not been reported in the literature in individuals with GLRA1-related disease. Loss-of-function variants in GLRA1 are known to be pathogenic (PMID: 20631190). For these reasons, this variant has been classified as Pathogenic.

Labcorp Genetics (formerly Invitae), Labcorp
Classification: Pathogenic for Hereditary hyperekplexia. Last evaluated: 2018-11-08. Review status: criteria provided, single submitter. Criteria: Invitae Variant Classification Sherloc (09022015). Collection method: clinical testing. Allele origin: germline.
Comment: the same text as in the submission from Labcorp Genetics (formerly Invitae), Labcorp above.

Literature cited by the submitters: PubMed 20631190.